The following is an entry in ClinVar:

ClinVar aggregate classification (germline): Uncertain significance. Review status: criteria provided, multiple submitters, no conflicts (2 of 4 stars). 2 submissions from 2 submitters: Uncertain significance (2). Last evaluated 2024-03-06.

Conditions:
Cardiomyopathy (CMYO). Also called: Cardiomyopathies. Identifiers: Orphanet 167848, MedGen C0878544, MONDO:0004994, HP:0001638. Inheritance: Various modes of inheritance.
Catecholaminergic polymorphic ventricular tachycardia 1. Also called: VENTRICULAR TACHYCARDIA, CATECHOLAMINERGIC POLYMORPHIC, 1, WITH OR WITHOUT ATRIAL DYSFUNCTION AND/OR DILATED CARDIOMYOPATHY; RYR2-Related Catecholaminergic Polymorphic Ventricular Tachycardia; VENTRICULAR TACHYCARDIA, STRESS-INDUCED POLYMORPHIC 1. Identifiers: Orphanet 3286, MedGen C1631597, MONDO:0011484, OMIM 604772.

Submissions (2):

Color Diagnostics, LLC DBA Color Health
Classification: Uncertain significance for Cardiomyopathy. Last evaluated: 2024-03-06. Review status: criteria provided, single submitter. Criteria: ACMG Guidelines, 2015. Collection method: clinical testing. Allele origin: germline.
Comment: This missense variant replaces serine with asparagine at codon 213 of the RYR2 protein. Computational prediction suggests that this variant may not impact protein structure and function (internally defined REVEL score threshold <= 0.5, PMID: 27666373). Splice site prediction tools suggest that this variant may not impact RNA splicing. To our knowledge, functional studies have not been reported for this variant. This variant has not been reported in individuals affected with cardiovascular disorders in the literature. This variant has not been identified in the general population by the Genome Aggregation Database (gnomAD). The available evidence is insufficient to determine the role of this variant in disease conclusively. Therefore, this variant is classified as a Variant of Uncertain Significance.

Labcorp Genetics (formerly Invitae), Labcorp
Classification: Uncertain significance for Catecholaminergic polymorphic ventricular tachycardia 1. Last evaluated: 2020-01-23. Review status: criteria provided, single submitter. Criteria: Invitae Variant Classification Sherloc (09022015). Collection method: clinical testing. Allele origin: germline.
Comment: This sequence change replaces serine with asparagine at codon 213 of the RYR2 protein (p.Ser213Asn). The serine residue is highly conserved and there is a small physicochemical difference between serine and asparagine. In summary, the available evidence is currently insufficient to determine the role of this variant in disease. Therefore, it has been classified as a Variant of Uncertain Significance. Algorithms developed to predict the effect of missense changes on protein structure and function (SIFT, PolyPhen-2, Align-GVGD) all suggest that this variant is likely to be disruptive, but these predictions have not been confirmed by published functional studies and their clinical significance is uncertain. This variant has not been reported in the literature in individuals with RYR2-related conditions. This variant is not present in population databases (ExAC no frequency).

NM_001035.3(RYR2):c.638G>A (p.Ser213Asn)

Gene: RYR2 (ryanodine receptor 2; plus strand). Cytogenetic location: 1q43.
Variant type: single nucleotide variant.
Coding change: c.638G>A on transcript NM_001035.3 (MANE Select); coding-DNA position 638, G replaced by A.
Protein change: p.Ser213Asn; replaces serine 213 with asparagine.
Molecular consequence: missense variant.
Genome position (GRCh38, 1-based): chr1:237,387,342, G>A. VCF-style: chr1-237387342-G-A. GRCh37 (hg19) VCF-style: chr1-237550642-G-A.
Other names: short protein forms S213N.
Identifiers: ClinVar variation 922894 (VCV000922894.15), dbSNP rs1702026122, ClinGen allele CA345377429.